The following is an entry in ClinVar:

ClinVar aggregate classification (germline): Uncertain significance (1 of 4 stars; one submission).

Submission:

Women's Health and Genetics/Laboratory Corporation of America, LabCorp
Classification: Uncertain significance. Last evaluated: 2023-10-23. Review status: criteria provided, single submitter. Criteria: LabCorp Variant Classification Summary - May 2015. Collection method: clinical testing. Allele origin: germline.
Comment: Variant summary: LOXHD1 c.5866T>C (p.Tyr1956His) results in a conservative amino acid change in the encoded protein sequence. Three of five in-silico tools predict a damaging effect of the variant on protein function. Consensus agreement among computation tools predict no significant impact on normal splicing. However, these predictions have yet to be confirmed by functional studies. The variant was absent in 158384 control chromosomes (gnomAD). The available data on variant occurrences in the general population are insufficient to allow any conclusion about variant significance. To our knowledge, no occurrence of c.5866T>C in individuals affected with Nonsyndromic Hearing Loss And Deafness, Type 77 and no experimental evidence demonstrating its impact on protein function have been reported. No submitters have cited clinical-significance assessments for this variant to ClinVar after 2014. Based on the evidence outlined above, the variant was classified as uncertain significance.

NM_001384474.1(LOXHD1):c.6052T>C (p.Tyr2018His)

Gene: LOXHD1 (lipoxygenase homology PLAT domains 1; minus strand). Cytogenetic location: 18q21.1.
Variant type: single nucleotide variant.
Coding change: c.6052T>C on transcript NM_001384474.1 (MANE Select); coding-DNA position 6052, T replaced by C.
Protein change: p.Tyr2018His; replaces tyrosine 2018 with histidine.
Molecular consequence: missense variant.
Genome position (GRCh38, 1-based): chr18:46,485,149, A>G on the plus strand (T>C on the coding strand, the complement: LOXHD1 is on the minus strand). VCF-style: chr18-46485149-A-G. GRCh37 (hg19) VCF-style: chr18-44065112-A-G.
Other names: c.2719T>C, p.Tyr907His (NM_001145472.3); c.769T>C, p.Tyr257His (NM_001145473.3, NM_001173129.2); c.2431T>C, p.Tyr811His (NM_001308013.2); c.5866T>C, p.Tyr1956His (NM_144612.7); short protein forms Y1956H, Y2018H, Y257H, Y811H, Y907H.
Identifiers: ClinVar variation 2637422 (VCV002637422.1), dbSNP rs2511374880, ClinGen allele CA402366476.